The following is an entry in ClinVar:

NM_020693.4(DSCAML1):c.5557G>A (p.Asp1853Asn)

Gene: DSCAML1 (DS cell adhesion molecule like 1; minus strand). Cytogenetic location: 11q23.3.
Variant type: single nucleotide variant.
Coding change: c.5557G>A on transcript NM_020693.4 (MANE Select); coding-DNA position 5557, G replaced by A.
Protein change: p.Asp1853Asn; replaces aspartic acid 1853 with asparagine.
Molecular consequence: missense variant.
Genome position (GRCh38, 1-based): chr11:117,430,851, C>T on the plus strand (G>A on the coding strand, the complement: DSCAML1 is on the minus strand). VCF-style: chr11-117430851-C-T. GRCh37 (hg19) VCF-style: chr11-117301567-C-T.
Other names: short protein forms D1853N.
Identifiers: ClinVar variation 1512206 (VCV001512206.6), dbSNP rs376765047, ClinGen allele CA6296042.

ClinVar aggregate classification (germline): Uncertain significance (1 of 4 stars; one submission).

Allele frequency attached by ClinVar (database versions not stated): gnomAD exomes below 0.00001 and 0.00005; ExAC 0.00001; gnomAD 0.00005; TOPMed 0.00005; ESP Exome Variant Server 0.00008.
gnomAD v4.1: 78 of 1,614,028 alleles (0.0048%); highest among the groups gnomAD compares: Non-Finnish European, 0.0061%; no homozygotes.

Submission:

Labcorp Genetics (formerly Invitae), Labcorp
Classification: Uncertain significance. Last evaluated: 2022-03-09. Review status: criteria provided, single submitter. Criteria: Invitae Variant Classification Sherloc (09022015). Collection method: clinical testing. Allele origin: germline.
Comment: This variant has not been reported in the literature in individuals affected with DSCAML1-related conditions. This variant is not present in population databases (gnomAD no frequency). This sequence change replaces aspartic acid, which is acidic and polar, with asparagine, which is neutral and polar, at codon 1913 of the DSCAML1 protein (p.Asp1913Asn). In summary, the available evidence is currently insufficient to determine the role of this variant in disease. Therefore, it has been classified as a Variant of Uncertain Significance. Algorithms developed to predict the effect of missense changes on protein structure and function are either unavailable or do not agree on the potential impact of this missense change (SIFT: "Deleterious"; PolyPhen-2: "Probably Damaging"; Align-GVGD: "Class C15").